The following is an entry in ClinVar:

NM_001349338.3(FOXP1):c.149A>G (p.Asp50Gly)

Gene: FOXP1 (forkhead box P1; minus strand). Cytogenetic location: 3p13.
Variant type: single nucleotide variant.
Coding change: c.149A>G on transcript NM_001349338.3 (MANE Select); coding-DNA position 149, A replaced by G.
Protein change: p.Asp50Gly; replaces aspartic acid 50 with glycine.
Molecular consequence: missense variant. On other transcripts: non-coding transcript variant (2).
Genome position (GRCh38, 1-based): chr3:71,198,233, T>C on the plus strand (A>G on the coding strand, the complement: FOXP1 is on the minus strand). VCF-style: chr3-71198233-T-C. GRCh37 (hg19) VCF-style: chr3-71247384-T-C.
Other names: c.149A>G, p.Asp50Gly (NM_001012505.2, NM_001244808.3, NM_001244810.2 and 6 more transcripts); short protein forms D50G.
Identifiers: ClinVar variation 3698029 (VCV003698029.2).

ClinVar aggregate classification (germline): Uncertain significance (1 of 4 stars; one submission).

gnomAD v4.1: 5 of 1,613,900 alleles (0.00031%); highest among the groups gnomAD compares: Admixed American, 0.0067%; no homozygotes.

Submission:

Labcorp Genetics (formerly Invitae), Labcorp
Classification: Uncertain significance. Last evaluated: 2024-08-21. Review status: criteria provided, single submitter. Criteria: Invitae Variant Classification Sherloc (09022015). Collection method: clinical testing. Allele origin: germline.
Comment: This sequence change replaces aspartic acid, which is acidic and polar, with glycine, which is neutral and non-polar, at codon 50 of the FOXP1 protein (p.Asp50Gly). This variant is present in population databases (no rsID available, gnomAD 0.01%). This variant has not been reported in the literature in individuals affected with FOXP1-related conditions. Invitae Evidence Modeling of protein sequence and biophysical properties (such as structural, functional, and spatial information, amino acid conservation, physicochemical variation, residue mobility, and thermodynamic stability) has been performed for this missense variant. However, the output from this modeling did not meet the statistical confidence thresholds required to predict the impact of this variant on FOXP1 protein function. In summary, the available evidence is currently insufficient to determine the role of this variant in disease. Therefore, it has been classified as a Variant of Uncertain Significance.